The following is an entry in ClinVar:

NM_000166.6(GJB1):c.843G>C (p.Ser281=)

Gene: GJB1 (gap junction protein beta 1; plus strand). Cytogenetic location: Xq13.1.
Variant type: single nucleotide variant.
Coding change: c.843G>C on transcript NM_000166.6 (MANE Select); coding-DNA position 843, G replaced by C.
Protein change: p.Ser281=; no amino-acid change (serine 281 retained).
Molecular consequence: synonymous variant.
Genome position (GRCh38, 1-based): chrX:71,224,550, G>C. VCF-style: chrX-71224550-G-C. GRCh37 (hg19) VCF-style: chrX-70444400-G-C.
Other names: c.843G>C, p.Ser281= (NM_001097642.3).
Identifiers: ClinVar variation 3629485 (VCV003629485.2).
Genomic context (GRCh38, chrX:71,224,550, plus strand): 5'-CATACTGCGCCGCAGCCCTGGCACCGGGGCTGGGCTGGCTGAAAAGAGCGACCGCTGCTC[G>C]GCCTGCTGATGCCACATACCAGGCAACCTCCCATCCCACCCCCGACCCTGCCCTGGGCGA-3'
Protein context (NP_000157.1, residues 271-283): AGLAEKSDRC[Ser281=]AC

ClinVar aggregate classification (germline): Likely benign (1 of 4 stars; one submission).

gnomAD v4.1: 1 of 1,184,744 alleles (0.000084%); highest among the groups gnomAD compares: Non-Finnish European, 0.00011%; no homozygotes.

Submission:

Women's Health and Genetics/Laboratory Corporation of America, LabCorp
Classification: Likely benign. Last evaluated: 2024-11-29. Review status: criteria provided, single submitter. Criteria: LabCorp Variant Classification Summary - May 2015. Collection method: clinical testing. Allele origin: germline.
Comment: Variant summary: GJB1 c.843G>C alters a non-conserved nucleotide resulting in a synonymous change. Consensus agreement among computation tools predict no significant impact on normal splicing. However, these predictions have yet to be confirmed by functional studies. The variant was absent in 132493 control chromosomes. The available data on variant occurrences in the general population are insufficient to allow any conclusion about variant significance. To our knowledge, no occurrence of c.843G>C in individuals affected with Charcot-Marie-Tooth disease X-linked dominant 1 and no experimental evidence demonstrating its impact on protein function have been reported. No submitters have cited clinical-significance assessments for this variant to ClinVar. Based on the evidence outlined above, the variant was classified as likely benign.